The following is an entry in ClinVar:

ClinVar aggregate classification (germline): Pathogenic/Likely pathogenic. Review status: criteria provided, multiple submitters, no conflicts (2 of 4 stars). 3 submissions from 3 submitters: Pathogenic (1); Likely pathogenic (1). 1 of the submissions does not count toward it. Last evaluated 2025-05-01.

Conditions:
Kidney stone. Also called: Nephrolithiasis. Identifiers: MedGen C0392525, MONDO:0008171, HP:0000787.
Nephrocalcinosis. Also called: Hypercalcemic nephropathy. Identifiers: MedGen C0027709, MONDO:0001567, HP:0000121.
Bartter disease type 1. Also called: HYPOKALEMIC ALKALOSIS WITH HYPERCALCIURIA 1, ANTENATAL; HYPERPROSTAGLANDIN E SYNDROME 1; Bartter syndrome, type 1, antenatal; Bartter Syndrome type 1. Identifiers: Orphanet 112, Orphanet 620217, MedGen C1866495, MONDO:0100344, OMIM 601678, MONDO:0011127.

Allele frequency attached by ClinVar (database versions not stated): gnomAD 0.00001; TOPMed 0.00001; gnomAD exomes 0.00002.

Submissions (3):

Rare Kidney Stone Consortium and the Mayo Clinic Hyperoxaluria Center, Mayo Clinic
Classification: Likely pathogenic for Bartter disease type 1. Last evaluated: 2025-05-01. Review status: criteria provided, single submitter. Criteria: ACMG Guidelines, 2015. Collection method: research. Allele origin: germline. Affected: yes.
Comment: ACMG: PS1, PM2, PP3, PP4

Labcorp Genetics (formerly Invitae), Labcorp
Classification: Pathogenic. Last evaluated: 2023-12-30. Review status: criteria provided, single submitter. Criteria: Invitae Variant Classification Sherloc (09022015). Collection method: clinical testing. Allele origin: germline.
Comment: This sequence change replaces glycine, which is neutral and non-polar, with serine, which is neutral and polar, at codon 257 of the SLC12A1 protein (p.Gly257Ser). This variant is present in population databases (no rsID available, gnomAD 0.007%). This missense change has been observed in individual(s) with Bartter syndrome type 1 (PMID: 17998760, 18391953, 28893421). In at least one individual the variant was observed to be de novo. This variant is also known as g788a. ClinVar contains an entry for this variant (Variation ID: 548675). Advanced modeling of protein sequence and biophysical properties (such as structural, functional, and spatial information, amino acid conservation, physicochemical variation, residue mobility, and thermodynamic stability) performed at Invitae indicates that this missense variant is expected to disrupt SLC12A1 protein function with a positive predictive value of 80%. For these reasons, this variant has been classified as Pathogenic.

Yale Center for Mendelian Genomics, Yale University
Classification: Likely pathogenic for Nephrolithiasis; Nephrocalcinosis. Last evaluated: 2017-09-08. Review status: no assertion criteria provided. Collection method: literature only. Allele origin: germline. Affected: yes. Observed: 1 compound heterozygote. Not counted in ClinVar's aggregate classification.

Literature cited by the submitters: PubMed 39258717 (cited by Rare Kidney Stone Consortium and the Mayo Clinic Hyperoxaluria Center, Mayo Clinic); PubMed 34805638 (cited by Rare Kidney Stone Consortium and the Mayo Clinic Hyperoxaluria Center, Mayo Clinic); PubMed 28893421 (cited by 3 submitters); PubMed 17998760 (cited by Rare Kidney Stone Consortium and the Mayo Clinic Hyperoxaluria Center, Mayo Clinic and Labcorp Genetics (formerly Invitae), Labcorp); PubMed 18391953 (cited by Labcorp Genetics (formerly Invitae), Labcorp).

NM_000338.3(SLC12A1):c.769G>A (p.Gly257Ser)

Gene: SLC12A1 (solute carrier family 12 member 1; plus strand). Cytogenetic location: 15q21.1.
Variant type: single nucleotide variant.
Coding change: c.769G>A on transcript NM_000338.3 (MANE Select); coding-DNA position 769, G replaced by A.
Protein change: p.Gly257Ser; replaces glycine 257 with serine.
Molecular consequence: missense variant.
Genome position (GRCh38, 1-based): chr15:48,229,233, G>A. VCF-style: chr15-48229233-G-A. GRCh37 (hg19) VCF-style: chr15-48521430-G-A.
Other names: c.769G>A, p.Gly257Ser (NM_001184832.2); short protein forms G257S.
Identifiers: ClinVar variation 548675 (VCV000548675.10), dbSNP rs896545456, ClinGen allele CA269460340.